The following is an entry in ClinVar:

ClinVar aggregate classification (germline): Uncertain significance (1 of 4 stars; one submission).

Conditions:
Inborn genetic diseases. Identifiers: MedGen C0950123, MeSH D030342.

Submission:

Ambry Genetics
Classification: Uncertain significance for Inborn genetic diseases. Last evaluated: 2025-03-23. Review status: criteria provided, single submitter. Criteria: Ambry Variant Classification Scheme 2023. Collection method: clinical testing. Allele origin: germline.
Comment: The p.T235N variant (also known as c.704C>A), located in coding exon 4 of the SERPING1 gene, results from a C to A substitution at nucleotide position 704. The threonine at codon 235 is replaced by asparagine, an amino acid with similar properties. This amino acid position is conserved. In addition, this alteration is predicted to be tolerated by in silico analysis. Based on the available evidence, the clinical significance of this variant remains unclear.

NM_000062.3(SERPING1):c.704C>A (p.Thr235Asn)

Gene: SERPING1 (serpin family G member 1; plus strand). Cytogenetic location: 11q12.1.
Variant type: single nucleotide variant.
Coding change: c.704C>A on transcript NM_000062.3 (MANE Select); coding-DNA position 704, C replaced by A.
Protein change: p.Thr235Asn; replaces threonine 235 with asparagine.
Molecular consequence: missense variant.
Genome position (GRCh38, 1-based): chr11:57,606,028, C>A. VCF-style: chr11-57606028-C-A. GRCh37 (hg19) VCF-style: chr11-57373501-C-A.
Other names: c.704C>A, p.Thr235Asn (NM_001032295.2); short protein forms T235N.
Identifiers: ClinVar variation 3952712 (VCV003952712.1).